The following is an entry in ClinVar:

ClinVar aggregate classification (germline): Uncertain significance (1 of 4 stars; one submission).

Allele frequency attached by ClinVar (database versions not stated): ExAC 0.00001; gnomAD 0.00001; TOPMed 0.00002.

Submission:

Women's Health and Genetics/Laboratory Corporation of America, LabCorp
Classification: Uncertain significance. Last evaluated: 2023-06-20. Review status: criteria provided, single submitter. Criteria: LabCorp Variant Classification Summary - May 2015. Collection method: clinical testing. Allele origin: germline.
Comment: Variant summary: DUOXA2 c.671T>C (p.Leu224Ser) results in a non-conservative amino acid change in the encoded protein sequence. Three of five in-silico tools predict a benign effect of the variant on protein function. The variant allele was found at a frequency of 8.2e-06 in 243638 control chromosomes. The available data on variant occurrences in the general population are insufficient to allow any conclusion about variant significance. c.671T>C has been reported in the literature in at least one heterozygous individual affected with congenital hypothyroidism (e.g., Wang_2021). This report does not provide unequivocal conclusions about association of the variant with DUOXA2-related conditions, as a second variant was not identified. To our knowledge, no experimental evidence demonstrating an impact on protein function has been reported. The following publication has been ascertained in the context of this evaluation (PMID: 33631011). No submitters have cited clinical-significance assessments for this variant to ClinVar after 2014. Based on the evidence outlined above, the variant was classified as uncertain significance.

Literature cited by the submitters: PubMed 33631011.

NM_207581.4(DUOXA2):c.671T>C (p.Leu224Ser)

Gene: DUOXA2 (dual oxidase maturation factor 2; plus strand). Cytogenetic location: 15q21.1.
Variant type: single nucleotide variant.
Coding change: c.671T>C on transcript NM_207581.4 (MANE Select); coding-DNA position 671, T replaced by C.
Protein change: p.Leu224Ser; replaces leucine 224 with serine.
Molecular consequence: missense variant.
Genome position (GRCh38, 1-based): chr15:45,117,207, T>C. VCF-style: chr15-45117207-T-C. GRCh37 (hg19) VCF-style: chr15-45409405-T-C.
Other names: short protein forms L224S.
Identifiers: ClinVar variation 2573357 (VCV002573357.1), dbSNP rs774487844, ClinGen allele CA7539489.